The following is an entry in ClinVar:

NM_001379200.1(TBX1):c.1283C>G (p.Pro428Arg)

Gene: TBX1 (T-box transcription factor 1; plus strand). Cytogenetic location: 22q11.21.
Variant type: single nucleotide variant.
Coding change: c.1283C>G on transcript NM_001379200.1 (MANE Select); coding-DNA position 1283, C replaced by G.
Protein change: p.Pro428Arg; replaces proline 428 with arginine.
Molecular consequence: missense variant. On other transcripts: intron variant (2).
Genome position (GRCh38, 1-based): chr22:19,766,635, C>G. VCF-style: chr22-19766635-C-G. GRCh37 (hg19) VCF-style: chr22-19754158-C-G.
Other names: c.1256C>G, p.Pro419Arg (NM_080647.1); c.1009+633C>G (NM_005992.1, NM_080646.2); short protein forms P419R, P428R.
Identifiers: ClinVar variation 2135724 (VCV002135724.4), dbSNP rs1247147500, ClinGen allele CA410684828.
Genomic context (GRCh38, chr22:19,766,635, plus strand): 5'-AGCTGCGCCTGGAGGCGCCCGGCGCATCGGAGCCGCTGCACCACCACCCCTACAAATATC[C>G]GGCCGCCGCCTACGACCACTATCTCGGGGCCAAGAGCCGGCCGGCGCCCTACCCGCTGCC-3'
Protein context (NP_001366129.1, residues 418-438): EPLHHHPYKY[Pro428Arg]AAAYDHYLGA

ClinVar aggregate classification (germline): Uncertain significance (1 of 4 stars; one submission).

Conditions:
DiGeorge syndrome. Also called: THIRD AND FOURTH PHARYNGEAL POUCH SYNDROME; Catch22. Identifiers: Orphanet 567, MedGen C0012236, MONDO:0008564, OMIM 188400.

Submission:

Labcorp Genetics (formerly Invitae), Labcorp
Classification: Uncertain significance for DiGeorge syndrome. Last evaluated: 2022-05-08. Review status: criteria provided, single submitter. Criteria: Invitae Variant Classification Sherloc (09022015). Collection method: clinical testing. Allele origin: germline.
Comment: This sequence change replaces proline, which is neutral and non-polar, with arginine, which is basic and polar, at codon 419 of the TBX1 protein (p.Pro419Arg). In summary, the available evidence is currently insufficient to determine the role of this variant in disease. Therefore, it has been classified as a Variant of Uncertain Significance. Algorithms developed to predict the effect of missense changes on protein structure and function are either unavailable or do not agree on the potential impact of this missense change (SIFT: "Deleterious"; PolyPhen-2: "Benign"; Align-GVGD: "Class C0"). This variant has not been reported in the literature in individuals affected with TBX1-related conditions. This variant is not present in population databases (gnomAD no frequency).